The following is an entry in ClinVar:

NM_015909.4(NBAS):c.4347+2T>C

Gene: NBAS (NBAS subunit of NRZ tethering complex; minus strand). Cytogenetic location: 2p24.3.
Variant type: single nucleotide variant.
Coding change: c.4347+2T>C on transcript NM_015909.4 (MANE Select); the canonical splice donor site of the intron after coding-DNA position 4347, T replaced by C.
Molecular consequence: splice donor variant.
Genome position (GRCh38, 1-based): chr2:15,330,596, A>G on the plus strand (T>C on the coding strand, the complement: NBAS is on the minus strand). VCF-style: chr2-15330596-A-G. GRCh37 (hg19) VCF-style: chr2-15470720-A-G.
Identifiers: ClinVar variation 2722103 (VCV002722103.5), dbSNP rs764292893, ClinGen allele CA1535699.
Genomic context (GRCh38, chr2:15,330,596, plus strand): 5'-CATTGCTAATGAATTTATATAAACCATGCAGTTGATTTTAAAAAGAAAGATGCACTGCTT[A>G]CCTGAAGGGGTCGAAGGTAAGTTAAAGACTTCTTCCACCACTGCCCATCACTGACGGCCT-3'

ClinVar aggregate classification (germline): Conflicting classifications of pathogenicity. Review status: criteria provided, conflicting classifications (1 of 4 stars). 3 submissions from 3 submitters: Likely pathogenic (2); Uncertain significance (1). Last evaluated 2025-11-10.

Conditions:
Growth failure in early childhood.
Infantile liver failure syndrome 2 (ILFS2). Identifiers: MedGen C3809651, MONDO:0014659, OMIM 616483.
Short stature-optic atrophy-Pelger-Huët anomaly syndrome. Also called: Short stature, optic nerve atrophy, and Pelger-Huet anomaly; Short stature-optic atrophy-Pelger-HuC+t anomaly syndrome. Identifiers: Orphanet 391677, MedGen C3541319, MONDO:0013889, OMIM 614800.

Allele frequency attached by ClinVar (database versions not stated): gnomAD exomes 0.00001; TOPMed 0.00001; gnomAD 0.00001; ExAC 0.00002.
gnomAD v4.1: 12 of 1,613,652 alleles (0.00074%); highest among the groups gnomAD compares: Admixed American, 0.0017%; no homozygotes.

Submissions (3):

Labcorp Genetics (formerly Invitae), Labcorp
Classification: Likely pathogenic. Last evaluated: 2025-11-10. Review status: criteria provided, single submitter. Criteria: Invitae Variant Classification Sherloc (09022015). Collection method: clinical testing. Allele origin: germline.
Comment: This sequence change affects a donor splice site in intron 36 of the NBAS gene. It is expected to disrupt RNA splicing. Variants that disrupt the donor or acceptor splice site typically lead to a loss of protein function (PMID: 16199547), and loss-of-function variants in NBAS are known to be pathogenic (PMID: 26073778, 26541327, 27789416, 28031453). This variant is present in population databases (rs764292893, gnomAD 0.002%). This variant has not been reported in the literature in individuals affected with NBAS-related conditions. ClinVar contains an entry for this variant (Variation ID: 2722103). In summary, the currently available evidence indicates that the variant is pathogenic, but additional data are needed to prove that conclusively. Therefore, this variant has been classified as Likely Pathogenic.

Cambridge Genomics Laboratory, East Genomic Laboratory Hub, NHS Genomic Medicine Service
Classification: Uncertain significance for Growth failure in early childhood. Last evaluated: 2024-09-10. Review status: criteria provided, single submitter. Criteria: ACGS Best Practice Guidelines for Variant Classification in Rare Disease 2020. Collection method: clinical testing. Allele origin: germline. Affected: yes.
Comment: PM2

Fulgent Genetics
Classification: Likely pathogenic for Short stature-optic atrophy-Pelger-Huët anomaly syndrome; Infantile liver failure syndrome 2. Last evaluated: 2024-03-05. Review status: criteria provided, single submitter. Criteria: ACMG Guidelines, 2015. Collection method: clinical testing. Allele origin: germline.

Literature cited by the submitters: PubMed 16199547 (cited by Labcorp Genetics (formerly Invitae), Labcorp); PubMed 26073778 (cited by Labcorp Genetics (formerly Invitae), Labcorp); PubMed 26541327 (cited by Labcorp Genetics (formerly Invitae), Labcorp); PubMed 27789416 (cited by Labcorp Genetics (formerly Invitae), Labcorp); PubMed 28031453 (cited by Labcorp Genetics (formerly Invitae), Labcorp).